The following is an entry in ClinVar:

NM_000404.4(GLB1):c.937A>G (p.Asn313Asp)

Gene: GLB1 (galactosidase beta 1; minus strand). Cytogenetic location: 3p22.3.
Variant type: single nucleotide variant.
Coding change: c.937A>G on transcript NM_000404.4 (MANE Select); coding-DNA position 937, A replaced by G.
Protein change: p.Asn313Asp; replaces asparagine 313 with aspartic acid.
Molecular consequence: missense variant.
Genome position (GRCh38, 1-based): chr3:33,051,776, T>C on the plus strand (A>G on the coding strand, the complement: GLB1 is on the minus strand). VCF-style: chr3-33051776-T-C. GRCh37 (hg19) VCF-style: chr3-33093268-T-C.
Other names: c.847A>G, p.Asn283Asp (NM_001079811.3); c.544A>G, p.Asn182Asp (NM_001135602.3); c.1081A>G, p.Asn361Asp (NM_001317040.2); c.937A>G, p.Asn313Asp (NM_001393580.1); short protein forms N283D, N182D, N313D, N361D.
Identifiers: ClinVar variation 1950819 (VCV001950819.5), dbSNP rs2471374147, ClinGen allele CA352000973.

ClinVar aggregate classification (germline): Likely pathogenic (1 of 4 stars; one submission).

Conditions:
GM1 gangliosidosis. Identifiers: Orphanet 354, MedGen C0085131, MONDO:0018149.
Mucopolysaccharidosis, MPS-IV-B (MPS4B). Also called: Mucopolysaccharidosis type IV B; Mucopolysaccharidosis type 4B; MORQUIO SYNDROME B; Mucopolysaccharidosis type IVB (Morquio); MPS IVB; Mucopolysaccharidosis Type IVB. Identifiers: Orphanet 309310, Orphanet 582, MedGen C0086652, MONDO:0009660, OMIM 253010.

Submission:

Labcorp Genetics (formerly Invitae), Labcorp
Classification: Likely pathogenic for Mucopolysaccharidosis, MPS-IV-B; GM1 gangliosidosis. Last evaluated: 2022-08-15. Review status: criteria provided, single submitter. Criteria: Invitae Variant Classification Sherloc (09022015). Collection method: clinical testing. Allele origin: germline.
Comment: This variant is not present in population databases (gnomAD no frequency). In summary, the currently available evidence indicates that the variant is pathogenic, but additional data are needed to prove that conclusively. Therefore, this variant has been classified as Likely Pathogenic. This variant disrupts the p.Asn313 amino acid residue in GLB1. Other variant(s) that disrupt this residue have been determined to be pathogenic (Invitae). This suggests that this residue is clinically significant, and that variants that disrupt this residue are likely to be disease-causing. Advanced modeling of protein sequence and biophysical properties (such as structural, functional, and spatial information, amino acid conservation, physicochemical variation, residue mobility, and thermodynamic stability) performed at Invitae indicates that this missense variant is expected to disrupt GLB1 protein function. This variant has not been reported in the literature in individuals affected with GLB1-related conditions. This sequence change replaces asparagine, which is neutral and polar, with aspartic acid, which is acidic and polar, at codon 313 of the GLB1 protein (p.Asn313Asp).